The following is an entry in ClinVar:

ClinVar aggregate classification (germline): Conflicting classifications of pathogenicity. Review status: criteria provided, conflicting classifications (1 of 4 stars). 5 submissions from 5 submitters: Uncertain significance (2); Likely benign (3). Last evaluated 2026-01-13.

Conditions:
Atrial conduction disease. Identifiers: Orphanet 436242, MedGen CN221670, MONDO:0014500.
Inborn genetic diseases. Identifiers: MedGen C0950123, MeSH D030342.

Allele frequency attached by ClinVar (database versions not stated): gnomAD exomes 0.00004 and 0.00016; 1000 Genomes Project 30x 0.00016; 1000 Genomes Project 0.00020; ExAC 0.00020; TOPMed 0.00022; ESP Exome Variant Server 0.00023; gnomAD 0.00024 and 0.00025.
gnomAD v4.1: 98 of 1,612,792 alleles (0.0061%); highest among the groups gnomAD compares: East Asian, 0.083%; no homozygotes.

Submissions (5):

Labcorp Genetics (formerly Invitae), Labcorp
Classification: Likely benign. Last evaluated: 2026-01-13. Review status: criteria provided, single submitter. Criteria: Invitae Variant Classification Sherloc (09022015). Collection method: clinical testing. Allele origin: germline.

Blueprint Genetics
Classification: Likely benign. Last evaluated: 2024-09-19. Review status: criteria provided, single submitter. Criteria: ACMG Guidelines, 2015. Collection method: clinical testing. Allele origin: germline.

Ambry Genetics
Classification: Uncertain significance for Inborn genetic diseases. Last evaluated: 2024-08-27. Review status: criteria provided, single submitter. Criteria: Ambry Variant Classification Scheme 2023. Collection method: clinical testing. Allele origin: germline.

Mayo Clinic Laboratories, Mayo Clinic
Classification: Uncertain significance. Last evaluated: 2024-03-20. Review status: criteria provided, single submitter. Criteria: ACMG Guidelines, 2015. Collection method: clinical testing. Allele origin: germline. Observed: 1 variant allele.
Comment: BP4

Department of Pathology and Laboratory Medicine, Sinai Health System
Classification: Likely benign for Cardiac conduction disease with or without dilated cardiomyopathy 1. Last evaluated: 2022-10-17. Review status: criteria provided, single submitter. Criteria: ACMG Guidelines, 2015. Collection method: research. Allele origin: germline.

NM_015978.3(TNNI3K):c.1550A>G (p.Asn517Ser)

Genes: FPGT-TNNI3K (FPGT-TNNI3K readthrough; plus strand), TNNI3K (TNNI3 interacting kinase; plus strand). Cytogenetic location: 1p31.1.
Variant type: single nucleotide variant.
Coding change: c.1550A>G on transcript NM_015978.3 (MANE Select); coding-DNA position 1550, A replaced by G.
Protein change: p.Asn517Ser; replaces asparagine 517 with serine.
Molecular consequence: missense variant.
Genome position (GRCh38, 1-based): chr1:74,369,468, A>G. VCF-style: chr1-74369468-A-G. GRCh37 (hg19) VCF-style: chr1-74835152-A-G.
Other names: p.Asn517Ser; c.1853A>G, p.Asn618Ser (NM_001112808.3, NM_001199327.2); short protein forms N517S, N618S.
Identifiers: ClinVar variation 1590549 (VCV001590549.13), dbSNP rs138357965, ClinGen allele CA909327.